The following is an entry in ClinVar:

ClinVar aggregate classification (germline): Benign/Likely benign. Review status: criteria provided, multiple submitters, no conflicts (2 of 4 stars). 3 submissions from 3 submitters: Benign (1); Likely benign (1). 1 of the submissions does not count toward it. Last evaluated 2024-12-01.

Conditions:
ITPR3-related disorder. Also called: ITPR3-related condition.

Allele frequency attached by ClinVar (database versions not stated): gnomAD exomes 0.00051 and 0.00121; ExAC 0.00147; gnomAD 0.00291 and 0.00314; 1000 Genomes Project 30x 0.00297; 1000 Genomes Project 0.00319; ESP Exome Variant Server 0.00354; TOPMed 0.00379.
gnomAD v4.1: 1,264 of 1,613,744 alleles (0.078%); highest among the groups gnomAD compares: African/African-American, 0.91%; 4 homozygotes.

Submissions (3):

CeGaT Center for Human Genetics Tuebingen
Classification: Likely benign. Last evaluated: 2024-12-01. Review status: criteria provided, single submitter. Criteria: CeGaT Center For Human Genetics Tuebingen Variant Classification Criteria Version 2. Collection method: clinical testing. Allele origin: germline. Affected: yes. Observed: 1 variant allele.
Comment: ITPR3: BP4, BS2

Labcorp Genetics (formerly Invitae), Labcorp
Classification: Benign. Last evaluated: 2018-12-05. Review status: criteria provided, single submitter. Criteria: Invitae Variant Classification Sherloc (09022015). Collection method: clinical testing. Allele origin: germline.

PreventionGenetics, part of Exact Sciences
Classification: Benign for ITPR3-related condition. Last evaluated: 2019-03-07. Review status: no assertion criteria provided. Collection method: clinical testing. Allele origin: germline. Not counted in ClinVar's aggregate classification.
Comment: This variant is classified as benign based on ACMG/AMP sequence variant interpretation guidelines (Richards et al. 2015 PMID: 25741868, with internal and published modifications).

NM_002224.4(ITPR3):c.628-5C>T

Gene: ITPR3 (inositol 1,4,5-trisphosphate receptor type 3; plus strand). Cytogenetic location: 6p21.31.
Variant type: single nucleotide variant.
Coding change: c.628-5C>T on transcript NM_002224.4 (MANE Select); 5 bases into the intron before coding-DNA position 628, C replaced by T.
Molecular consequence: intron variant.
Genome position (GRCh38, 1-based): chr6:33,659,461, C>T. VCF-style: chr6-33659461-C-T. GRCh37 (hg19) VCF-style: chr6-33627238-C-T.
Identifiers: ClinVar variation 718415 (VCV000718415.18), dbSNP rs147723375, ClinGen allele CA3760002.